The following is an entry in ClinVar:

ClinVar aggregate classification (germline): Likely benign. Review status: criteria provided, multiple submitters, no conflicts (2 of 4 stars). 2 submissions from 2 submitters: Likely benign (2). Last evaluated 2026-07-01.

Conditions:
PCNT-related disorder. Also called: PCNT-related condition.

gnomAD v4.1: 8 of 1,599,484 alleles (0.0005%); highest among the groups gnomAD compares: Non-Finnish European, 0.00068%; no homozygotes.

Submissions (2):

PreventionGenetics, part of Exact Sciences
Classification: Likely benign for PCNT-related condition. Last evaluated: 2026-07-01. Review status: criteria provided, single submitter. Criteria: ACMG Guidelines, 2015. Collection method: clinical testing. Allele origin: germline.
Comment: This variant is classified as likely benign based on ACMG/AMP sequence variant interpretation guidelines (Richards et al. 2015 PMID: 25741868, with internal and published modifications).

Labcorp Genetics (formerly Invitae), Labcorp
Classification: Likely benign. Last evaluated: 2023-05-22. Review status: criteria provided, single submitter. Criteria: Invitae Variant Classification Sherloc (09022015). Collection method: clinical testing. Allele origin: germline.

NM_006031.6(PCNT):c.8751+10G>T

Gene: PCNT (pericentrin; plus strand). Cytogenetic location: 21q22.3.
Variant type: single nucleotide variant.
Coding change: c.8751+10G>T on transcript NM_006031.6 (MANE Select); 10 bases into the intron after coding-DNA position 8751, G replaced by T.
Molecular consequence: intron variant.
Genome position (GRCh38, 1-based): chr21:46,432,225, G>T. VCF-style: chr21-46432225-G-T. GRCh37 (hg19) VCF-style: chr21-47852139-G-T.
Other names: c.8160+247G>T (NM_001315529.2); c.8751+10G>T (NM_006031.5).
Identifiers: ClinVar variation 3011930 (VCV003011930.4), dbSNP rs575078921, ClinGen allele CA638499867.